The following is an entry in ClinVar:

ClinVar aggregate classification (germline): Pathogenic. Review status: criteria provided, multiple submitters, no conflicts (2 of 4 stars). 3 submissions from 3 submitters: Pathogenic (2). 1 of the submissions does not count toward it. Last evaluated 2024-05-23.

Conditions:
Hereditary spastic paraplegia 11. Also called: SPASTIC PARAPLEGIA, AUTOSOMAL RECESSIVE, COMPLICATED, WITH THIN CORPUS CALLOSUM; SPASTIC PARAPLEGIA, AUTOSOMAL RECESSIVE, WITH MENTAL IMPAIRMENT AND THIN CORPUS CALLOSUM; Spastic paraplegia, mental retardation and thin corpus callosum; Spastic Paraplegia 11; Nakamura Osame syndrome; Autosomal recessive hereditary spastic paraplegia, mental impairment, and thin corpus callosum. Identifiers: Orphanet 2822, MedGen C1858479, MONDO:0011445, OMIM 604360.

Allele frequency attached by ClinVar (database versions not stated): TOPMed below 0.00001; gnomAD exomes 0.00001.

Submissions (3):

GeneDx
Classification: Pathogenic. Last evaluated: 2024-05-23. Review status: criteria provided, single submitter. Criteria: GeneDx Variant Classification Process June 2021. Collection method: clinical testing. Allele origin: germline. Affected: yes.
Comment: Reported with a second SPG11 variant, phase unknown, in a patient with spasticity, increased reflexes in the upper limbs, intellectual disability, thin corpus callosum, and periventricular white matter (PMID: 19105190); Frameshift variant predicted to result in protein truncation or nonsense mediated decay in a gene for which loss of function is a known mechanism of disease; Not observed at significant frequency in large population cohorts (gnomAD); This variant is associated with the following publications: (PMID: 19105190)

Labcorp Genetics (formerly Invitae), Labcorp
Classification: Pathogenic for Hereditary spastic paraplegia 11. Last evaluated: 2024-02-15. Review status: criteria provided, single submitter. Criteria: Invitae Variant Classification Sherloc (09022015). Collection method: clinical testing. Allele origin: germline.
Comment: This sequence change creates a premature translational stop signal (p.Pro1248Thrfs*17) in the SPG11 gene. It is expected to result in an absent or disrupted protein product. Loss-of-function variants in SPG11 are known to be pathogenic (PMID: 19105190, 20110243, 22154821, 26556829). This variant is not present in population databases (gnomAD no frequency). This premature translational stop signal has been observed in individual(s) with hereditary spastic paraplegia (PMID: 19105190). ClinVar contains an entry for this variant (Variation ID: 41311). Algorithms developed to predict the effect of sequence changes on RNA splicing suggest that this variant may disrupt the consensus splice site. For these reasons, this variant has been classified as Pathogenic.

GeneReviews
No classification provided. Condition: Hereditary spastic paraplegia 11. Review status: no classification provided. Collection method: literature only. Allele origin: unknown. Not counted in ClinVar's aggregate classification.

Literature cited by the submitters: PubMed 19105190 (cited by Labcorp Genetics (formerly Invitae), Labcorp and GeneReviews); PubMed 20110243 (cited by Labcorp Genetics (formerly Invitae), Labcorp); PubMed 22154821 (cited by Labcorp Genetics (formerly Invitae), Labcorp); PubMed 26556829 (cited by Labcorp Genetics (formerly Invitae), Labcorp); PubMed 20301389 (cited by GeneReviews); NCBI Bookshelf NBK1210 (cited by GeneReviews).

NM_025137.4(SPG11):c.3741dup (p.Pro1248fs)

Gene: SPG11 (SPG11 vesicle trafficking associated, spatacsin; minus strand). Cytogenetic location: 15q21.1.
Variant type: Duplication.
Coding change: c.3741dup on transcript NM_025137.4 (MANE Select); coding-DNA position 3741, one base duplicated (A; older notation c.3741dupA).
Protein change: p.Pro1248fs; shifts the reading frame from proline 1248.
Molecular consequence: frameshift variant.
Genome position (GRCh38, 1-based): chr15:44,598,782, T duplicated on the plus strand (A on the coding strand, the reverse complement: SPG11 is on the minus strand). VCF-style (leftmost placement, unchanged base first): chr15-44598781-G-GT. GRCh37 (hg19) VCF-style: chr15-44890979-G-GT.
Other names: c.3741dup, p.Pro1248fs (NM_001160227.2); c.3741_3742insA (NM_025137.3); c.3741dup (NM_025137.3); short protein forms P1248fs.
Identifiers: ClinVar variation 41311 (VCV000041311.6), dbSNP rs312262757, ClinGen allele CA344339.